The following is an entry in ClinVar:

ClinVar aggregate classification (germline): Uncertain significance (1 of 4 stars; one submission).

Conditions:
DLST-related disorder. Also called: DLST-related condition.

gnomAD v4.1: 12 of 1,613,836 alleles (0.00074%); highest among the groups gnomAD compares: East Asian, 0.0022%; no homozygotes.

Submission:

PreventionGenetics, part of Exact Sciences
Classification: Uncertain significance for DLST-related condition. Last evaluated: 2024-12-22. Review status: criteria provided, single submitter. Criteria: ACMG Guidelines, 2015. Collection method: clinical testing. Allele origin: germline.
Comment: The DLST c.467A>G variant is predicted to result in the amino acid substitution p.Lys156Arg. However, this change is a deep intronic variant (c.442+25A>G) for the transcript with clinical significance (NM_001933.4). To our knowledge, this variant has not been reported in the literature. This variant is reported in 0.0050% of alleles in individuals of East Asian descent in gnomAD. Although we suspect that this variant may be benign, the clinical significance of this variant is classified as uncertain at this time due to insufficient functional and genetic evidence.

NM_001933.5(DLST):c.442+25A>G

Gene: DLST (dihydrolipoamide S-succinyltransferase; plus strand). Cytogenetic location: 14q24.3.
Variant type: single nucleotide variant.
Coding change: c.442+25A>G on transcript NM_001933.5 (MANE Select); 25 bases into the intron after coding-DNA position 442, A replaced by G.
Molecular consequence: intron variant. On other transcripts: missense variant (1).
Genome position (GRCh38, 1-based): chr14:74,891,192, A>G. VCF-style: chr14-74891192-A-G. GRCh37 (hg19) VCF-style: chr14-75357895-A-G.
Other names: c.467A>G, p.Lys156Arg (NM_001244883.2); short protein forms K156R.
Identifiers: ClinVar variation 4989707 (VCV004989707.1).